The following is an entry in ClinVar:

NM_001127208.3(TET2):c.3073A>G (p.Ile1025Val)

Genes: TET2 (tet methylcytosine dioxygenase 2; plus strand), TET2-AS1 (TET2 antisense RNA 1; minus strand). Cytogenetic location: 4q24.
Variant type: single nucleotide variant.
Coding change: c.3073A>G on transcript NM_001127208.3 (MANE Select); coding-DNA position 3073, A replaced by G.
Protein change: p.Ile1025Val; replaces isoleucine 1025 with valine.
Molecular consequence: missense variant.
Genome position (GRCh38, 1-based): chr4:105,237,015, A>G. VCF-style: chr4-105237015-A-G. GRCh37 (hg19) VCF-style: chr4-106158172-A-G.
Other names: c.3073A>G, p.Ile1025Val (NM_017628.4); short protein forms I1025V.
Identifiers: ClinVar variation 3967627 (VCV003967627.1).

ClinVar aggregate classification (germline): Uncertain significance (1 of 4 stars; one submission).

gnomAD v4.1: 1 of 1,614,186 alleles (0.000062%); highest among the groups gnomAD compares: Non-Finnish European, 0.000085%; no homozygotes.

Submission:

Ambry Genetics
Classification: Uncertain significance. Last evaluated: 2025-05-11. Review status: criteria provided, single submitter. Criteria: Ambry Variant Classification Scheme 2023. Collection method: clinical testing. Allele origin: germline.
Comment: The p.I1025V variant (also known as c.3073A>G), located in coding exon 1 of the TET2 gene, results from an A to G substitution at nucleotide position 3073. The isoleucine at codon 1025 is replaced by valine, an amino acid with highly similar properties. This amino acid position is conserved. In addition, this alteration is predicted to be tolerated by in silico analysis. Based on the available evidence, the clinical significance of this variant remains unclear.